The following is an entry in ClinVar:

ClinVar aggregate classification (germline): Uncertain significance (1 of 4 stars; one submission).

Conditions:
Gingival disorder. Also called: Gingival disease. Identifiers: MedGen C0017563, MONDO:0002021.

gnomAD v4.1: 2 of 1,614,090 alleles (0.00012%); highest among the groups gnomAD compares: African/African-American, 0.0027%; no homozygotes.

Submission:

Labcorp Genetics (formerly Invitae), Labcorp
Classification: Uncertain significance for Gingival disorder. Last evaluated: 2025-05-05. Review status: criteria provided, single submitter. Criteria: Invitae Variant Classification Sherloc (09022015). Collection method: clinical testing. Allele origin: germline.
Comment: This sequence change replaces threonine, which is neutral and polar, with alanine, which is neutral and non-polar, at codon 165 of the FPR1 protein (p.Thr165Ala). This variant is present in population databases (no rsID available, gnomAD 0.01%). This variant has not been reported in the literature in individuals affected with FPR1-related conditions. An algorithm developed to predict the effect of missense changes on protein structure and function (PolyPhen-2) suggests that this variant is likely to be tolerated. In summary, the available evidence is currently insufficient to determine the role of this variant in disease. Therefore, it has been classified as a Variant of Uncertain Significance.

NM_002029.4(FPR1):c.493A>G (p.Thr165Ala)

Gene: FPR1 (formyl peptide receptor 1; minus strand). Cytogenetic location: 19q13.41.
Variant type: single nucleotide variant.
Coding change: c.493A>G on transcript NM_002029.4 (MANE Select); coding-DNA position 493, A replaced by G.
Protein change: p.Thr165Ala; replaces threonine 165 with alanine.
Molecular consequence: missense variant.
Genome position (GRCh38, 1-based): chr19:51,746,502, T>C on the plus strand (A>G on the coding strand, the complement: FPR1 is on the minus strand). VCF-style: chr19-51746502-T-C. GRCh37 (hg19) VCF-style: chr19-52249755-T-C.
Other names: c.493A>G, p.Thr165Ala (NM_001193306.2); short protein forms T165A.
Identifiers: ClinVar variation 4803327 (VCV004803327.1).